The following is an entry in ClinVar:

ClinVar aggregate classification (germline): Benign. Review status: criteria provided, multiple submitters, no conflicts (2 of 4 stars). 12 submissions from 11 submitters: Benign (10). 2 of the submissions do not count toward it. Last evaluated 2026-02-04.

Conditions:
Brain small vessel disease 1 with or without ocular anomalies (BSVD1). Also called: Brain small vessel disease with or without ocular anomalies; PORENCEPHALY, TYPE 1, AUTOSOMAL DOMINANT; GOULD SYNDROME 1; BRAIN SMALL VESSEL DISEASE WITH HEMORRHAGE. Identifiers: Orphanet 2940, Orphanet 36383, Orphanet 99810, MedGen C4755307, MONDO:0008289, OMIM 175780.
Autosomal dominant familial hematuria-retinal arteriolar tortuosity-contractures syndrome. Also called: Hereditary Angiopathy with Nephropathy, Aneurysms, and Muscle Cramps (HANAC) Syndrome; Angiopathy, hereditary, with nephropathy, aneurysms, and muscle cramps. Identifiers: Orphanet 73229, MedGen C2673195, MONDO:0012726, OMIM 611773.

Allele frequency attached by ClinVar (database versions not stated): ESP Exome Variant Server 0.07120; gnomAD exomes 0.07480 and 0.08268; gnomAD 0.07832 and 0.07874; TOPMed 0.08052; ExAC 0.08293; 1000 Genomes Project 30x 0.08542; 1000 Genomes Project 0.09625.
gnomAD v4.1: 120,800 of 1,613,636 alleles (7.5%); highest among the groups gnomAD compares: East Asian, 16%; 4,994 homozygotes.

Submissions (12):

Labcorp Genetics (formerly Invitae), Labcorp
Classification: Benign. Last evaluated: 2026-02-04. Review status: criteria provided, single submitter. Criteria: Invitae Variant Classification Sherloc (09022015). Collection method: clinical testing. Allele origin: germline.

Blueprint Genetics
Classification: Benign. Last evaluated: 2024-11-27. Review status: criteria provided, single submitter. Criteria: ACMG Guidelines, 2015. Collection method: clinical testing. Allele origin: germline.

Mayo Clinic Laboratories, Mayo Clinic
Classification: Benign. Last evaluated: 2022-04-26. Review status: criteria provided, single submitter. Criteria: ACMG Guidelines, 2015. Collection method: clinical testing. Allele origin: germline. Observed: 173 variant alleles.

Athena Diagnostics
Classification: Benign. Last evaluated: 2021-06-02. Review status: criteria provided, single submitter. Criteria: Athena Diagnostics criteria. Collection method: clinical testing. Allele origin: unknown.

Illumina Laboratory Services, Illumina
Classification: Benign for Autosomal dominant familial hematuria-retinal arteriolar tortuosity-contractures syndrome. Last evaluated: 2018-01-13. Review status: criteria provided, single submitter. Criteria: ICSL Variant Classification Criteria 13 December 2019. Collection method: clinical testing. Allele origin: germline.
Comment: This variant was observed in the ICSL laboratory as part of a predisposition screen in an ostensibly healthy population. It had not been previously curated by ICSL or reported in the Human Gene Mutation Database (HGMD: prior to June 1st, 2018), and was therefore a candidate for classification through an automated scoring system. Utilizing variant allele frequency, disease prevalence and penetrance estimates, and inheritance mode, an automated score was calculated to assess if this variant is too frequent to cause the disease. Based on the score and internal cut-off values, a variant classified as benign is not then subjected to further curation. The score for this variant resulted in a classification of benign for this disease.

Illumina Laboratory Services, Illumina
Classification: Benign for Brain small vessel disease 1 with or without ocular anomalies. Last evaluated: 2018-01-13. Review status: criteria provided, single submitter. Criteria: ICSL Variant Classification Criteria 13 December 2019. Collection method: clinical testing. Allele origin: germline.
Comment: the same text as in the submission from Illumina Laboratory Services, Illumina above.

GeneDx
Classification: Benign. Last evaluated: 2017-07-19. Review status: criteria provided, single submitter. Criteria: GeneDx Variant Classification (06012015). Collection method: clinical testing. Allele origin: germline. Affected: yes.
Comment: This variant is considered likely benign or benign based on one or more of the following criteria: it is a conservative change, it occurs at a poorly conserved position in the protein, it is predicted to be benign by multiple in silico algorithms, and/or has population frequency not consistent with disease.

Eurofins Ntd Llc (ga)
Classification: Benign. Last evaluated: 2015-04-14. Review status: criteria provided, single submitter. Criteria: EGL Classification Definitions 2015. Collection method: clinical testing. Allele origin: germline. Observed: 1 variant allele, 1 heterozygote.

Breakthrough Genomics
Classification: Benign. Review status: criteria provided, single submitter. Criteria: ACMG Guidelines, 2015. Collection method: not provided. Allele origin: germline. Inheritance: Autosomal dominant inheritance. Affected: yes.

PreventionGenetics, part of Exact Sciences
Classification: Benign. Review status: criteria provided, single submitter. Criteria: ACMG Guidelines, 2015. Collection method: clinical testing. Allele origin: germline.

Clinical Genetics DNA and cytogenetics Diagnostics Lab, Erasmus MC, Erasmus Medical Center
Classification: Benign. Review status: no assertion criteria provided. Collection method: clinical testing. Allele origin: germline. Affected: yes. Study: VKGL Data-share Consensus. Not counted in ClinVar's aggregate classification.

Joint Genome Diagnostic Labs from Nijmegen and Maastricht, Radboudumc and MUMC+
Classification: Benign. Review status: no assertion criteria provided. Collection method: clinical testing. Allele origin: germline. Affected: yes. Study: VKGL Data-share Consensus. Not counted in ClinVar's aggregate classification.

NM_001845.6(COL4A1):c.1815T>C (p.Pro605=)

Gene: COL4A1 (collagen type IV alpha 1 chain; minus strand). Cytogenetic location: 13q34.
Variant type: single nucleotide variant.
Coding change: c.1815T>C on transcript NM_001845.6 (MANE Select); coding-DNA position 1815, T replaced by C.
Protein change: p.Pro605=; no amino-acid change (proline 605 retained).
Molecular consequence: synonymous variant.
Genome position (GRCh38, 1-based): chr13:110,186,467, A>G on the plus strand (T>C on the coding strand, the complement: COL4A1 is on the minus strand). VCF-style: chr13-110186467-A-G. GRCh37 (hg19) VCF-style: chr13-110838814-A-G.
Other names: p.Pro605=.
Identifiers: ClinVar variation 195950 (VCV000195950.28), dbSNP rs61749897, ClinGen allele CA202044.
Genomic context (GRCh38, chr13:110,186,467, plus strand): 5'-GCCTCCAGGAAAGCCTGCTTGTCCTTTGTCACCAATGGGACCAGCAGGACCATATCCTGG[A>G]GGCCCAGGGGGGCCGGTGTCACCACGACTGCCTGGGAATCCAACTCCTCCAGGGGGGCCA-3'
Protein context (NP_001836.3, residues 595-615): GSRGDTGPPG[Pro605=]PGYGPAGPIG